The following is an entry in ClinVar:

NM_013245.3(VPS4A):c.1294G>A (p.Asp432Asn)

Gene: VPS4A (vacuolar protein sorting 4 homolog A; plus strand). Cytogenetic location: 16q22.1.
Variant type: single nucleotide variant.
Coding change: c.1294G>A on transcript NM_013245.3 (MANE Select); coding-DNA position 1294, G replaced by A.
Protein change: p.Asp432Asn; replaces aspartic acid 432 with asparagine.
Molecular consequence: missense variant.
Genome position (GRCh38, 1-based): chr16:69,324,289, G>A. VCF-style: chr16-69324289-G-A. GRCh37 (hg19) VCF-style: chr16-69358192-G-A.
Other names: short protein forms D432N.
Identifiers: ClinVar variation 3573908 (VCV003573908.1).

ClinVar aggregate classification (germline): Uncertain significance (1 of 4 stars; one submission).

gnomAD v4.1: 1 of 1,613,868 alleles (0.000062%); highest among the groups gnomAD compares: Admixed American, 0.0017%; no homozygotes.

Submission:

GeneDx
Classification: Uncertain significance. Last evaluated: 2024-07-18. Review status: criteria provided, single submitter. Criteria: GeneDx Variant Classification Process June 2021. Collection method: clinical testing. Allele origin: germline. Affected: yes.
Comment: Not observed at significant frequency in large population cohorts (gnomAD); In silico analysis supports that this missense variant has a deleterious effect on protein structure/function; Has not been previously published as pathogenic or benign to our knowledge